The following is an entry in ClinVar:

NM_001348768.2(HECW2):c.3465A>C (p.Leu1155Phe)

Gene: HECW2 (HECT, C2 and WW domain containing E3 ubiquitin protein ligase 2; minus strand). Cytogenetic location: 2q32.3.
Variant type: single nucleotide variant.
Coding change: c.3465A>C on transcript NM_001348768.2 (MANE Select); coding-DNA position 3465, A replaced by C.
Protein change: p.Leu1155Phe; replaces leucine 1155 with phenylalanine.
Molecular consequence: missense variant.
Genome position (GRCh38, 1-based): chr2:196,253,984, T>G on the plus strand (A>C on the coding strand, the complement: HECW2 is on the minus strand). VCF-style: chr2-196253984-T-G. GRCh37 (hg19) VCF-style: chr2-197118708-T-G.
Other names: c.2397A>C, p.Leu799Phe (NM_001304840.3); c.3465A>C, p.Leu1155Phe (NM_020760.4); short protein forms L1155F, L799F.
Identifiers: ClinVar variation 4076825 (VCV004076825.1).

ClinVar aggregate classification (germline): Uncertain significance (1 of 4 stars; one submission).

Submission:

GeneDx
Classification: Uncertain significance. Last evaluated: 2025-02-21. Review status: criteria provided, single submitter. Criteria: GeneDx Variant Classification Process June 2021. Collection method: clinical testing. Allele origin: germline. Affected: yes.
Comment: Not observed at significant frequency in large population cohorts (gnomAD); In silico analysis indicates that this missense variant does not alter protein structure/function; Has not been previously published as pathogenic or benign to our knowledge